The following is an entry in ClinVar:

ClinVar aggregate classification (germline): Uncertain significance (1 of 4 stars; one submission).

Conditions:
Congenital myasthenic syndrome 13 (CMS13). Also called: Myasthenic syndrome, congenital, 13, with tubular aggregates; Myasthenic syndrome, congenital, with tubular aggregates 2. Identifiers: Orphanet 353327, Orphanet 590, MedGen C3553645, MONDO:0013883, OMIM 614750.
DPAGT1-congenital disorder of glycosylation. Also called: CONGENITAL DISORDER OF GLYCOSYLATION, TYPE Ij; CDG Ij; DPAGT1-CDG. Identifiers: Orphanet 86309, MedGen C2931004, MONDO:0011964, OMIM 608093.

Submission:

Labcorp Genetics (formerly Invitae), Labcorp
Classification: Uncertain significance for Congenital myasthenic syndrome 13; DPAGT1-congenital disorder of glycosylation. Last evaluated: 2025-02-06. Review status: criteria provided, single submitter. Criteria: Invitae Variant Classification Sherloc (09022015). Collection method: clinical testing. Allele origin: germline.
Comment: This sequence change replaces proline, which is neutral and non-polar, with threonine, which is neutral and polar, at codon 75 of the DPAGT1 protein (p.Pro75Thr). This variant is not present in population databases (gnomAD no frequency). This variant has not been reported in the literature in individuals affected with DPAGT1-related conditions. Invitae Evidence Modeling of protein sequence and biophysical properties (such as structural, functional, and spatial information, amino acid conservation, physicochemical variation, residue mobility, and thermodynamic stability) indicates that this missense variant is expected to disrupt DPAGT1 protein function with a positive predictive value of 80%. In summary, the available evidence is currently insufficient to determine the role of this variant in disease. Therefore, it has been classified as a Variant of Uncertain Significance.

NM_001382.4(DPAGT1):c.223C>A (p.Pro75Thr)

Genes: DPAGT1 (dolichyl-phosphate N-acetylglucosaminephosphotransferase 1; minus strand), LOC126861360 (BRD4-independent group 4 enhancer GRCh37_chr11:118972216-118973415; plus strand). Cytogenetic location: 11q23.3.
Variant type: single nucleotide variant.
Coding change: c.223C>A on transcript NM_001382.4 (MANE Select); coding-DNA position 223, C replaced by A.
Protein change: p.Pro75Thr; replaces proline 75 with threonine.
Molecular consequence: missense variant.
Genome position (GRCh38, 1-based): chr11:119,101,077, G>T on the plus strand (C>A on the coding strand, the complement: DPAGT1 is on the minus strand). VCF-style: chr11-119101077-G-T. GRCh37 (hg19) VCF-style: chr11-118971787-G-T.
Other names: short protein forms P75T.
Identifiers: ClinVar variation 4794334 (VCV004794334.1).